The following is an entry in ClinVar:

ClinVar aggregate classification (germline): Uncertain significance (1 of 4 stars; one submission).

Submission:

Labcorp Genetics (formerly Invitae), Labcorp
Classification: Uncertain significance. Last evaluated: 2022-04-10. Review status: criteria provided, single submitter. Criteria: Invitae Variant Classification Sherloc (09022015). Collection method: clinical testing. Allele origin: germline.
Comment: In summary, the available evidence is currently insufficient to determine the role of this variant in disease. Therefore, it has been classified as a Variant of Uncertain Significance. Algorithms developed to predict the effect of missense changes on protein structure and function are either unavailable or do not agree on the potential impact of this missense change (SIFT: "Tolerated"; PolyPhen-2: "Probably Damaging"; Align-GVGD: "Class C0"). This variant has not been reported in the literature in individuals affected with TNFAIP3-related conditions. This variant is not present in population databases (gnomAD no frequency). This sequence change replaces serine, which is neutral and polar, with asparagine, which is neutral and polar, at codon 471 of the TNFAIP3 protein (p.Ser471Asn).

NM_001270508.2(TNFAIP3):c.1412G>A (p.Ser471Asn)

Gene: TNFAIP3 (TNF alpha induced protein 3; plus strand). Cytogenetic location: 6q23.3.
Variant type: single nucleotide variant.
Coding change: c.1412G>A on transcript NM_001270508.2 (MANE Select); coding-DNA position 1412, G replaced by A.
Protein change: p.Ser471Asn; replaces serine 471 with asparagine.
Molecular consequence: missense variant.
Genome position (GRCh38, 1-based): chr6:137,878,857, G>A. VCF-style: chr6-137878857-G-A. GRCh37 (hg19) VCF-style: chr6-138199994-G-A.
Other names: c.1412G>A, p.Ser471Asn (NM_001270507.2, NM_006290.4); short protein forms S471N.
Identifiers: ClinVar variation 2124110 (VCV002124110.4), dbSNP rs2482753838, ClinGen allele CA365790354.